The following is an entry in ClinVar:

NM_000388.4(CASR):c.2011G>T (p.Glu671Ter)

Gene: CASR (calcium sensing receptor; plus strand). Cytogenetic location: 3q21.1.
Variant type: single nucleotide variant.
Coding change: c.2011G>T on transcript NM_000388.4 (MANE Select); coding-DNA position 2011, G replaced by T.
Protein change: p.Glu671Ter; replaces glutamic acid 671 with a stop codon.
Molecular consequence: nonsense.
Genome position (GRCh38, 1-based): chr3:122,283,965, G>T. VCF-style: chr3-122283965-G-T. GRCh37 (hg19) VCF-style: chr3-122002812-G-T.
Other names: c.2041G>T, p.Glu681Ter (NM_001178065.2); short protein forms E671*, E681*.
Identifiers: ClinVar variation 3485307 (VCV003485307.3).

ClinVar aggregate classification (germline): Pathogenic/Likely pathogenic. Review status: criteria provided, multiple submitters, no conflicts (2 of 4 stars). 2 submissions from 2 submitters: Pathogenic (1); Likely pathogenic (1). Last evaluated 2025-05-30.

Conditions:
Autosomal dominant hypocalcemia 1 (HYPOC1). Also called: HYPOCALCEMIA, FAMILIAL. Identifiers: MedGen C3715128, MONDO:0011013, OMIM 601198.
Familial hypocalciuric hypercalcemia (FHH). Also called: Familial benign hypercalcemia. Identifiers: Orphanet 405, MedGen C1809471, MONDO:0018458.
Nephrolithiasis/nephrocalcinosis. Identifiers: MedGen CN580796.

gnomAD v4.1: 1 of 1,613,530 alleles (0.000062%); highest among the groups gnomAD compares: Non-Finnish European, 0.000085%; no homozygotes.

Submissions (2):

Labcorp Genetics (formerly Invitae), Labcorp
Classification: Pathogenic for Familial hypocalciuric hypercalcemia; Autosomal dominant hypocalcemia 1. Last evaluated: 2025-05-30. Review status: criteria provided, single submitter. Criteria: Invitae Variant Classification Sherloc (09022015). Collection method: clinical testing. Allele origin: germline.
Comment: This sequence change creates a premature translational stop signal (p.Glu671*) in the CASR gene. While this is not anticipated to result in nonsense mediated decay, it is expected to disrupt the last 408 amino acid(s) of the CASR protein. This variant is not present in population databases (gnomAD no frequency). This variant has not been reported in the literature in individuals affected with CASR-related conditions. ClinVar contains an entry for this variant (Variation ID: 3485307). This variant disrupts a region of the CASR protein in which other variant(s) (p.Lys882fs) have been determined to be pathogenic (PMID: 7717399, 9109436, 9217223, 20374733). This suggests that this is a clinically significant region of the protein, and that variants that disrupt it are likely to be disease-causing. For these reasons, this variant has been classified as Pathogenic.

Ambry Genetics
Classification: Likely pathogenic for Nephrolithiasis/nephrocalcinosis. Last evaluated: 2024-06-25. Review status: criteria provided, single submitter. Criteria: Ambry Variant Classification Scheme 2023. Collection method: clinical testing. Allele origin: germline.
Comment: The p.E671* variant (also known as c.2011G>T), located in coding exon 6 of the CASR gene, results from a G to T substitution at nucleotide position 2011. This changes the amino acid from a glutamic acid to a stop codon within coding exon 6. This alteration occurs at the 3' terminus of theCASR gene, is not expected to trigger nonsense-mediated mRNA decay, and only impacts the last 38% of the protein. However, premature stop codons are typically deleterious in nature and a significant portion of the protein is affected (Ambry internal data). This variant is considered to be rare based on population cohorts in the Genome Aggregation Database (gnomAD). Loss-of-function variants in CASR are known to cause familial hypocalciuric hypercalcemia (FHH1); however, such associations with CASR-related hypocalcemia (ADH1) have not been reported (Hannan F et al. Nat Rev Endocrinol. 2018 Dec 1; 15(1): 33&ndash;51). Based on the supporting evidence, this variant is likely pathogenic for FHH1; however, the association of this variant with ADH1 is unlikely.

Literature cited by the submitters: PubMed 7717399 (cited by Labcorp Genetics (formerly Invitae), Labcorp); PubMed 9109436 (cited by Labcorp Genetics (formerly Invitae), Labcorp); PubMed 9217223 (cited by Labcorp Genetics (formerly Invitae), Labcorp); PubMed 20374733 (cited by Labcorp Genetics (formerly Invitae), Labcorp).